The following is an entry in ClinVar:

ClinVar aggregate classification (germline): Likely benign (1 of 4 stars; one submission).

Submission:

CeGaT Center for Human Genetics Tuebingen
Classification: Likely benign. Last evaluated: 2025-01-01. Review status: criteria provided, single submitter. Criteria: CeGaT Center For Human Genetics Tuebingen Variant Classification Criteria Version 2. Collection method: clinical testing. Allele origin: germline. Affected: yes. Observed: 1 variant allele.
Comment: DOCK7: PM2:Supporting, BP4, BP7

NM_001367561.1(DOCK7):c.1230C>T (p.Ser410=)

Gene: DOCK7 (dedicator of cytokinesis 7; minus strand). Cytogenetic location: 1p31.3.
Variant type: single nucleotide variant.
Coding change: c.1230C>T on transcript NM_001367561.1 (MANE Select); coding-DNA position 1230, C replaced by T.
Protein change: p.Ser410=; no amino-acid change (serine 410 retained).
Molecular consequence: synonymous variant.
Genome position (GRCh38, 1-based): chr1:62,631,292, G>A on the plus strand (C>T on the coding strand, the complement: DOCK7 is on the minus strand). VCF-style: chr1-62631292-G-A. GRCh37 (hg19) VCF-style: chr1-63096963-G-A.
Other names: c.1230C>T, p.Ser410= (NM_001271999.2, NM_001272000.2, NM_001272001.2 and 3 more transcripts).
Identifiers: ClinVar variation 3772221 (VCV003772221.13).